The following is an entry in ClinVar:

ClinVar aggregate classification (germline): Conflicting classifications of pathogenicity. Review status: criteria provided, conflicting classifications (1 of 4 stars). 3 submissions from 3 submitters: Uncertain significance (1); Likely benign (1). 1 of the submissions does not count toward it. Last evaluated 2024-02-14.

Conditions:
IMPG2-related disorder. Also called: IMPG2-related condition.

Allele frequency attached by ClinVar (database versions not stated): TOPMed 0.00002; gnomAD exomes 0.00003 and 0.00008; gnomAD 0.00004; ExAC 0.00005; ESP Exome Variant Server 0.00008.
gnomAD v4.1: 124 of 1,602,812 alleles (0.0077%); highest among the groups gnomAD compares: Non-Finnish European, 0.0099%; no homozygotes.

Submissions (3):

Blueprint Genetics
Classification: Likely benign. Last evaluated: 2024-02-14. Review status: criteria provided, single submitter. Criteria: ACMG Guidelines, 2015. Collection method: clinical testing. Allele origin: germline.

Labcorp Genetics (formerly Invitae), Labcorp
Classification: Uncertain significance. Last evaluated: 2023-07-17. Review status: criteria provided, single submitter. Criteria: Invitae Variant Classification Sherloc (09022015). Collection method: clinical testing. Allele origin: germline.
Comment: This sequence change falls in intron 10 of the IMPG2 gene. It does not directly change the encoded amino acid sequence of the IMPG2 protein. It affects a nucleotide within the consensus splice site. This variant is present in population databases (rs369437104, gnomAD 0.009%). This variant has not been reported in the literature in individuals affected with IMPG2-related conditions. ClinVar contains an entry for this variant (Variation ID: 860389). Variants that disrupt the consensus splice site are a relatively common cause of aberrant splicing (PMID: 17576681, 9536098). Algorithms developed to predict the effect of sequence changes on RNA splicing suggest that this variant is not likely to affect RNA splicing. In summary, the available evidence is currently insufficient to determine the role of this variant in disease. Therefore, it has been classified as a Variant of Uncertain Significance.

PreventionGenetics, part of Exact Sciences
Classification: Likely benign for IMPG2-related condition. Last evaluated: 2019-08-21. Review status: no assertion criteria provided. Collection method: clinical testing. Allele origin: germline. Not counted in ClinVar's aggregate classification.
Comment: This variant is classified as likely benign based on ACMG/AMP sequence variant interpretation guidelines (Richards et al. 2015 PMID: 25741868, with internal and published modifications).

Literature cited by the submitters: PubMed 17576681 (cited by Labcorp Genetics (formerly Invitae), Labcorp); PubMed 9536098 (cited by Labcorp Genetics (formerly Invitae), Labcorp).

NM_016247.4(IMPG2):c.1154-3C>T

Gene: IMPG2 (interphotoreceptor matrix proteoglycan 2; minus strand). Cytogenetic location: 3q12.3.
Variant type: single nucleotide variant.
Coding change: c.1154-3C>T on transcript NM_016247.4 (MANE Select); 3 bases into the intron before coding-DNA position 1154, C replaced by T.
Molecular consequence: intron variant.
Genome position (GRCh38, 1-based): chr3:101,253,784, G>A on the plus strand (C>T on the coding strand, the complement: IMPG2 is on the minus strand). VCF-style: chr3-101253784-G-A. GRCh37 (hg19) VCF-style: chr3-100972628-G-A.
Identifiers: ClinVar variation 860389 (VCV000860389.10), dbSNP rs369437104, ClinGen allele CA2519259.